The following is an entry in ClinVar:

NM_005228.5(EGFR):c.2515G>A (p.Ala839Thr)

Gene: EGFR (epidermal growth factor receptor; plus strand). Cytogenetic location: 7p11.2.
Variant type: single nucleotide variant.
Coding change: c.2515G>A on transcript NM_005228.5 (MANE Select); coding-DNA position 2515, G replaced by A.
Protein change: p.Ala839Thr; replaces alanine 839 with threonine.
Molecular consequence: missense variant.
Genome position (GRCh38, 1-based): chr7:55,191,764, G>A. VCF-style: chr7-55191764-G-A. GRCh37 (hg19) VCF-style: chr7-55259457-G-A.
Other names: c.2380G>A, p.Ala794Thr (NM_001346897.2, NM_001346899.2); c.2515G>A, p.Ala839Thr (NM_001346898.2); c.2356G>A, p.Ala786Thr (NM_001346900.2); c.1714G>A, p.Ala572Thr (NM_001346941.2); short protein forms A572T, A839T, A786T, A794T.
Identifiers: ClinVar variation 3671319 (VCV003671319.2).

ClinVar aggregate classification (germline): Uncertain significance (1 of 4 stars; one submission).

Conditions:
EGFR-related lung cancer (EGFR). Identifiers: MedGen CN130014.

Submission:

Labcorp Genetics (formerly Invitae), Labcorp
Classification: Uncertain significance for EGFR-related lung cancer. Last evaluated: 2024-11-13. Review status: criteria provided, single submitter. Criteria: Invitae Variant Classification Sherloc (09022015). Collection method: clinical testing. Allele origin: germline.
Comment: This sequence change replaces alanine, which is neutral and non-polar, with threonine, which is neutral and polar, at codon 839 of the EGFR protein (p.Ala839Thr). This variant is not present in population databases (gnomAD no frequency). This variant has not been reported in the literature in individuals affected with EGFR-related conditions. Invitae Evidence Modeling of protein sequence and biophysical properties (such as structural, functional, and spatial information, amino acid conservation, physicochemical variation, residue mobility, and thermodynamic stability) indicates that this missense variant is not expected to disrupt EGFR protein function with a negative predictive value of 80%. In summary, the available evidence is currently insufficient to determine the role of this variant in disease. Therefore, it has been classified as a Variant of Uncertain Significance.